The following is an entry in ClinVar:

NM_152722.5(HEPACAM):c.1037T>A (p.Val346Glu)

Gene: HEPACAM (hepatic and glial cell adhesion molecule; minus strand). Cytogenetic location: 11q24.2.
Variant type: single nucleotide variant.
Coding change: c.1037T>A on transcript NM_152722.5 (MANE Select); coding-DNA position 1037, T replaced by A.
Protein change: p.Val346Glu; replaces valine 346 with glutamic acid.
Molecular consequence: missense variant.
Genome position (GRCh38, 1-based): chr11:124,921,352, A>T on the plus strand (T>A on the coding strand, the complement: HEPACAM is on the minus strand). VCF-style: chr11-124921352-A-T. GRCh37 (hg19) VCF-style: chr11-124791248-A-T.
Other names: c.1193T>A, p.Val398Glu (NM_001411043.1); short protein forms V398E, V346E.
Identifiers: ClinVar variation 2818672 (VCV002818672.3), dbSNP rs753138483, ClinGen allele CA383137816.
Genomic context (GRCh38, chr11:124,921,352, plus strand): 5'-GCTGGGGAGCGCGGGTAGCGGCGGGCAGAGCGGATGGGCAGCCCCGGCGAGCGGCCGGGC[A>T]CGGCGGGAGACACGGAGTAGCCGGGCGGGCCGGGCTCCGTCGCGCTTCGAGGCTCCGGGG-3'
Protein context (NP_689935.2, residues 336-356): GPPGYSVSPA[Val346Glu]PGRSPGLPIR

ClinVar aggregate classification (germline): Uncertain significance (1 of 4 stars; one submission).

Submission:

Labcorp Genetics (formerly Invitae), Labcorp
Classification: Uncertain significance. Last evaluated: 2023-06-16. Review status: criteria provided, single submitter. Criteria: Invitae Variant Classification Sherloc (09022015). Collection method: clinical testing. Allele origin: germline.
Comment: In summary, the available evidence is currently insufficient to determine the role of this variant in disease. Therefore, it has been classified as a Variant of Uncertain Significance. Advanced modeling of protein sequence and biophysical properties (such as structural, functional, and spatial information, amino acid conservation, physicochemical variation, residue mobility, and thermodynamic stability) performed at Invitae indicates that this missense variant is not expected to disrupt HEPACAM protein function. This sequence change replaces valine, which is neutral and non-polar, with glutamic acid, which is acidic and polar, at codon 346 of the HEPACAM protein (p.Val346Glu). This variant is not present in population databases (gnomAD no frequency). This variant has not been reported in the literature in individuals affected with HEPACAM-related conditions.